The following is an entry in ClinVar:

NM_001510.4(GRID2):c.203C>T (p.Thr68Met)

Gene: GRID2 (glutamate ionotropic receptor delta type subunit 2; plus strand). Cytogenetic location: 4q22.1.
Variant type: single nucleotide variant.
Coding change: c.203C>T on transcript NM_001510.4 (MANE Select); coding-DNA position 203, C replaced by T.
Protein change: p.Thr68Met; replaces threonine 68 with methionine.
Molecular consequence: missense variant.
Genome position (GRCh38, 1-based): chr4:92,590,245, C>T. VCF-style: chr4-92590245-C-T. GRCh37 (hg19) VCF-style: chr4-93511396-C-T.
Other names: p.Thr68Met; c.203C>T, p.Thr68Met (NM_001286838.1); short protein forms T68M.
Identifiers: ClinVar variation 1321117 (VCV001321117.11), dbSNP rs34144324, ClinGen allele CA3011900.

ClinVar aggregate classification (germline): Benign/Likely benign. Review status: criteria provided, multiple submitters, no conflicts (2 of 4 stars). 5 submissions from 5 submitters: Benign (2); Likely benign (2). 1 of the submissions does not count toward it. Last evaluated 2026-02-01.

Conditions:
GRID2-related disorder. Also called: GRID2-related condition.

Allele frequency attached by ClinVar (database versions not stated): 1000 Genomes Project 0.02276; 1000 Genomes Project 30x 0.02295; ExAC 0.03512; TOPMed 0.03546; gnomAD exomes 0.03547; gnomAD 0.03588 and 0.03628; ESP Exome Variant Server 0.04052.
gnomAD v4.1: 68,318 of 1,612,220 alleles (4.2%); highest among the groups gnomAD compares: Middle Eastern, 6.1%; 1,615 homozygotes.

Submissions (5):

Labcorp Genetics (formerly Invitae), Labcorp
Classification: Benign. Last evaluated: 2026-02-01. Review status: criteria provided, single submitter. Criteria: Invitae Variant Classification Sherloc (09022015). Collection method: clinical testing. Allele origin: germline.

GeneDx
Classification: Likely benign. Last evaluated: 2022-05-13. Review status: criteria provided, single submitter. Criteria: GeneDx Variant Classification Process June 2021. Collection method: clinical testing. Allele origin: germline. Affected: yes.
Comment: See Variant Classification Assertion Criteria.

Mayo Clinic Laboratories, Mayo Clinic
Classification: Benign. Last evaluated: 2022-03-24. Review status: criteria provided, single submitter. Criteria: ACMG Guidelines, 2015. Collection method: clinical testing. Allele origin: germline. Observed: 37 variant alleles.

Breakthrough Genomics
Classification: Likely benign. Review status: criteria provided, single submitter. Criteria: ACMG Guidelines, 2015. Collection method: not provided. Allele origin: germline. Inheritance: Autosomal recessive inheritance. Affected: yes.

PreventionGenetics, part of Exact Sciences
Classification: Benign for GRID2-related condition. Last evaluated: 2019-09-06. Review status: no assertion criteria provided. Collection method: clinical testing. Allele origin: germline. Not counted in ClinVar's aggregate classification.
Comment: This variant is classified as benign based on ACMG/AMP sequence variant interpretation guidelines (Richards et al. 2015 PMID: 25741868, with internal and published modifications).